The following is an entry in ClinVar:

NM_000311.5(PRNP):c.512A>G (p.Asn171Ser)

Gene: PRNP (prion protein (Kanno blood group); plus strand). Cytogenetic location: 20p13.
Variant type: single nucleotide variant.
Coding change: c.512A>G on transcript NM_000311.5 (MANE Select); coding-DNA position 512, A replaced by G.
Protein change: p.Asn171Ser; replaces asparagine 171 with serine.
Molecular consequence: missense variant. On other transcripts: 3 prime UTR variant (1).
Genome position (GRCh38, 1-based): chr20:4,699,732, A>G. VCF-style: chr20-4699732-A-G. GRCh37 (hg19) VCF-style: chr20-4680378-A-G.
Other names: c.512A>G, p.Asn171Ser (NM_001080121.3, NM_001080122.3, NM_001080123.3 and 1 more transcripts); c.*201A>G (NM_001271561.3); short protein forms N171S.
Identifiers: ClinVar variation 13408 (VCV000013408.67), dbSNP rs16990018, ClinGen allele CA123092.

ClinVar aggregate classification (germline): Benign. Review status: criteria provided, multiple submitters, no conflicts (2 of 4 stars). 9 submissions from 9 submitters: Benign (6). 3 of the submissions do not count toward it. Last evaluated 2026-01-26.

Conditions:
Inherited prion disease. Identifiers: Orphanet 280400, MedGen C5679775, MONDO:0017234.
Huntington disease-like 1 (HDL1). Also called: HUNTINGTON-LIKE NEURODEGENERATIVE DISORDER 1; HUNTINGTON-LIKE NEURODEGENERATIVE DISORDER, AUTOSOMAL DOMINANT; PRION DISEASE, EARLY-ONSET, WITH PROMINENT PSYCHIATRIC FEATURES. Identifiers: Orphanet 157941, MedGen C1864112, MONDO:0011299, OMIM 603218.
Spongiform encephalopathy with neuropsychiatric features. Identifiers: MedGen C1847650, MONDO:0011703, OMIM 606688.

Allele frequency attached by ClinVar (database versions not stated): gnomAD exomes 0.00139 and 0.00377; ExAC 0.00496; gnomAD 0.01513 and 0.01612; TOPMed 0.01698; 1000 Genomes Project 0.01817; 1000 Genomes Project 30x 0.01952.

Submissions (9):

Labcorp Genetics (formerly Invitae), Labcorp
Classification: Benign for Huntington disease-like 1. Last evaluated: 2026-01-26. Review status: criteria provided, single submitter. Criteria: Invitae Variant Classification Sherloc (09022015). Collection method: clinical testing. Allele origin: germline.

ARUP Laboratories, Molecular Genetics and Genomics, ARUP Laboratories
Classification: Benign. Last evaluated: 2024-11-26. Review status: criteria provided, single submitter. Criteria: ARUP Molecular Germline Variant Investigation Process 2024. Collection method: clinical testing. Allele origin: germline.

Mayo Clinic Laboratories, Mayo Clinic
Classification: Benign. Last evaluated: 2023-04-03. Review status: criteria provided, single submitter. Criteria: ACMG Guidelines, 2015. Collection method: clinical testing. Allele origin: germline. Observed: 10 variant alleles.
Comment: BA1, BP4

GeneDx
Classification: Benign. Last evaluated: 2018-09-23. Review status: criteria provided, single submitter. Criteria: GeneDx Variant Classification Process June 2021. Collection method: clinical testing. Allele origin: germline. Affected: yes.
Comment: This variant is associated with the following publications: (PMID: 22995991, 22717776, 20981092, 9384372)

Illumina Laboratory Services, Illumina
Classification: Benign for Genetic prion diseases. Last evaluated: 2018-03-06. Review status: criteria provided, single submitter. Criteria: ICSL Variant Classification Criteria 13 December 2019. Collection method: clinical testing. Allele origin: germline.
Comment: This variant was observed in the ICSL laboratory as part of a predisposition screen in an ostensibly healthy population. It had not been previously curated by ICSL or reported in the Human Gene Mutation Database (HGMD: prior to June 1st, 2018), and was therefore a candidate for classification through an automated scoring system. Utilizing variant allele frequency, disease prevalence and penetrance estimates, and inheritance mode, an automated score was calculated to assess if this variant is too frequent to cause the disease. Based on the score and internal cut-off values, a variant classified as benign is not then subjected to further curation. The score for this variant resulted in a classification of benign for this disease.

Breakthrough Genomics
Classification: Benign. Review status: criteria provided, single submitter. Criteria: ACMG Guidelines, 2015. Collection method: not provided. Allele origin: germline. Inheritance: Other. Affected: yes.

OMIM
Classification: Uncertain significance for RECLASSIFIED - VARIANT OF UNKNOWN SIGNIFICANCE. Last evaluated: 2012-02-01. Review status: no assertion criteria provided. Collection method: literature only. Allele origin: germline. Not counted in ClinVar's aggregate classification.

Clinical Genetics DNA and cytogenetics Diagnostics Lab, Erasmus MC, Erasmus Medical Center
Classification: Benign. Review status: no assertion criteria provided. Collection method: clinical testing. Allele origin: germline. Affected: yes. Study: VKGL Data-share Consensus. Not counted in ClinVar's aggregate classification.

Genome Diagnostics Laboratory, Amsterdam University Medical Center
Classification: Likely benign. Review status: no assertion criteria provided. Collection method: clinical testing. Allele origin: germline. Affected: yes. Study: VKGL Data-share Consensus. Not counted in ClinVar's aggregate classification.

Literature cited by the submitters: PubMed 22108575 (cited by OMIM); PubMed 9384372 (cited by OMIM); PubMed 14610121 (cited by OMIM); PubMed 10612329 (cited by OMIM); PubMed 15304595 (cited by OMIM).